The following is an entry in ClinVar:

ClinVar aggregate classification (germline): Uncertain significance. Review status: criteria provided, multiple submitters, no conflicts (2 of 4 stars). 6 submissions from 6 submitters: Uncertain significance (6). Last evaluated 2026-08-01.

Conditions:
Alzheimer disease 4 (AD4). Identifiers: Orphanet 1020, MedGen C1847200, MONDO:0011743, OMIM 606889.
Dilated cardiomyopathy 1V (CMD1V). Identifiers: Orphanet 154, MedGen C3150958, MONDO:0013373, OMIM 613697.
Inborn genetic diseases. Identifiers: MedGen C0950123, MeSH D030342.

Allele frequency attached by ClinVar (database versions not stated): ExAC 0.00002; gnomAD exomes 0.00002 and 0.00003; TOPMed 0.00002; gnomAD 0.00003 and 0.00004; ESP Exome Variant Server 0.00015.

Submissions (6):

CeGaT Center for Human Genetics Tuebingen
Classification: Uncertain significance. Last evaluated: 2026-08-01. Review status: criteria provided, single submitter. Criteria: CeGaT Center For Human Genetics Tuebingen Variant Classification Criteria Version 2. Collection method: clinical testing. Allele origin: germline. Affected: yes. Observed: 1 variant allele.

Women's Health and Genetics/Laboratory Corporation of America, LabCorp
Classification: Uncertain significance. Last evaluated: 2025-11-28. Review status: criteria provided, single submitter. Criteria: LabCorp Variant Classification Summary - May 2015. Collection method: clinical testing. Allele origin: germline.
Comment: Variant summary: PSEN2 c.85C>T (p.Arg29Cys) results in a non-conservative amino acid change in the encoded protein sequence. Algorithms developed to predict the effect of missense changes on protein structure and function all suggest that this variant is likely to be disruptive. The variant allele was found at a frequency of 2e-05 in 251162 control chromosomes. The available data on variant occurrences in the general population are insufficient to allow any conclusion about variant significance. To our knowledge, no occurrence of c.85C>T in individuals affected with PSEN2-related conditions and no experimental evidence demonstrating its impact on protein function have been reported. ClinVar contains an entry for this variant (Variation ID: 1446296). Based on the evidence outlined above, the variant was classified as uncertain significance.

Labcorp Genetics (formerly Invitae), Labcorp
Classification: Uncertain significance for Alzheimer disease 4. Last evaluated: 2024-10-25. Review status: criteria provided, single submitter. Criteria: Invitae Variant Classification Sherloc (09022015). Collection method: clinical testing. Allele origin: germline.
Comment: This sequence change replaces arginine, which is basic and polar, with cysteine, which is neutral and slightly polar, at codon 29 of the PSEN2 protein (p.Arg29Cys). This variant is present in population databases (rs142892469, gnomAD 0.006%). This variant has not been reported in the literature in individuals affected with PSEN2-related conditions. ClinVar contains an entry for this variant (Variation ID: 1446296). An algorithm developed to predict the effect of missense changes on protein structure and function (PolyPhen-2) suggests that this variant is likely to be disruptive. In summary, the available evidence is currently insufficient to determine the role of this variant in disease. Therefore, it has been classified as a Variant of Uncertain Significance.

Ambry Genetics
Classification: Uncertain significance for Inborn genetic diseases. Last evaluated: 2022-09-07. Review status: criteria provided, single submitter. Criteria: Ambry Variant Classification Scheme 2023. Collection method: clinical testing. Allele origin: germline.

Fulgent Genetics
Classification: Uncertain significance for Alzheimer disease 4; Dilated cardiomyopathy 1V. Last evaluated: 2022-04-07. Review status: criteria provided, single submitter. Criteria: ACMG Guidelines, 2015. Collection method: clinical testing. Allele origin: unknown.

Breakthrough Genomics
Classification: Uncertain significance. Review status: criteria provided, single submitter. Criteria: ACMG Guidelines, 2015. Collection method: not provided. Allele origin: germline. Inheritance: Autosomal dominant inheritance. Affected: yes.

NM_000447.3(PSEN2):c.85C>T (p.Arg29Cys)

Gene: PSEN2 (presenilin 2; plus strand). Cytogenetic location: 1q42.13.
Variant type: single nucleotide variant.
Coding change: c.85C>T on transcript NM_000447.3 (MANE Select); coding-DNA position 85, C replaced by T.
Protein change: p.Arg29Cys; replaces arginine 29 with cysteine.
Molecular consequence: missense variant.
Genome position (GRCh38, 1-based): chr1:226,881,992, C>T. VCF-style: chr1-226881992-C-T. GRCh37 (hg19) VCF-style: chr1-227069693-C-T.
Other names: c.85C>T, p.Arg29Cys (NM_012486.3); short protein forms R29C.
Identifiers: ClinVar variation 1446296 (VCV001446296.13), dbSNP rs142892469, ClinGen allele CA1424387.